The following is an entry in ClinVar:

NM_020706.2(SCAF4):c.2058A>C (p.Gln686His)

Gene: SCAF4 (SR-related CTD associated factor 4; minus strand). Cytogenetic location: 21q22.11.
Variant type: single nucleotide variant.
Coding change: c.2058A>C on transcript NM_020706.2 (MANE Select); coding-DNA position 2058, A replaced by C.
Protein change: p.Gln686His; replaces glutamine 686 with histidine.
Molecular consequence: missense variant.
Genome position (GRCh38, 1-based): chr21:31,685,719, T>G on the plus strand (A>C on the coding strand, the complement: SCAF4 is on the minus strand). VCF-style: chr21-31685719-T-G. GRCh37 (hg19) VCF-style: chr21-33058032-T-G.
Other names: c.2013A>C, p.Gln671His (NM_001145444.1); c.2058A>C, p.Gln686His (NM_001145445.1); short protein forms Q671H, Q686H.
Identifiers: ClinVar variation 3375507 (VCV003375507.1).

ClinVar aggregate classification (germline): Uncertain significance (1 of 4 stars; one submission).

Submission:

GeneDx
Classification: Uncertain significance. Last evaluated: 2024-05-08. Review status: criteria provided, single submitter. Criteria: GeneDx Variant Classification Process June 2021. Collection method: clinical testing. Allele origin: germline. Affected: yes.
Comment: Not observed at significant frequency in large population cohorts (gnomAD); In silico analysis supports that this missense variant has a deleterious effect on protein structure/function; Has not been previously published as pathogenic or benign to our knowledge